The following is an entry in ClinVar:

ClinVar aggregate classification (germline): Uncertain significance (1 of 4 stars; one submission).

Submission:

Ambry Genetics
Classification: Uncertain significance. Last evaluated: 2022-01-02. Review status: criteria provided, single submitter. Criteria: Ambry Variant Classification Scheme 2023. Collection method: clinical testing. Allele origin: germline.
Comment: The p.R738P variant (also known as c.2213G>C), located in coding exon 18 of the RAD54L gene, results from a G to C substitution at nucleotide position 2213. The arginine at codon 738 is replaced by proline, an amino acid with dissimilar properties. This amino acid position is conserved. In addition, the in silico prediction for this alteration is inconclusive. Since supporting evidence is limited at this time, the clinical significance of this alteration remains unclear.

NM_003579.4(RAD54L):c.2213G>C (p.Arg738Pro)

Genes: LRRC41 (leucine rich repeat containing 41; minus strand), RAD54L (RAD54 like; plus strand). Cytogenetic location: 1p34.1.
Variant type: single nucleotide variant.
Coding change: c.2213G>C on transcript NM_003579.4 (MANE Select); coding-DNA position 2213, G replaced by C.
Protein change: p.Arg738Pro; replaces arginine 738 with proline.
Molecular consequence: missense variant. On other transcripts: 3 prime UTR variant (1).
Genome position (GRCh38, 1-based): chr1:46,278,251, G>C. VCF-style: chr1-46278251-G-C. GRCh37 (hg19) VCF-style: chr1-46743923-G-C.
Other names: c.*614C>G (NM_006369.5); c.2213G>C, p.Arg738Pro (NM_001142548.2); c.1673G>C, p.Arg558Pro (NM_001370766.1); short protein forms R738P, R558P.
Identifiers: ClinVar variation 1787801 (VCV001787801.2), dbSNP rs28910278, ClinGen allele CA340191474.